The following is an entry in ClinVar:

NM_001376.5(DYNC1H1):c.2869-3C>T

Gene: DYNC1H1 (dynein cytoplasmic 1 heavy chain 1; plus strand). Cytogenetic location: 14q32.31.
Variant type: single nucleotide variant.
Coding change: c.2869-3C>T on transcript NM_001376.5 (MANE Select); 3 bases into the intron before coding-DNA position 2869, C replaced by T.
Molecular consequence: intron variant.
Genome position (GRCh38, 1-based): chr14:101,991,524, C>T. VCF-style: chr14-101991524-C-T. GRCh37 (hg19) VCF-style: chr14-102457861-C-T.
Identifiers: ClinVar variation 513201 (VCV000513201.19), dbSNP rs750614475, ClinGen allele CA7351909.
Genomic context (GRCh38, chr14:101,991,524, plus strand): 5'-TTAAAAAAATTTTTTTTATTGAAAAATAGATTGCTGAGTAGAAATGAAACCTTTCTTTCA[C>T]AGAATGTCGTTCATGAGCTAAGAATAACCAATCAGGTAATCTACTTGAATCCACCAATTG-3'

ClinVar aggregate classification (germline): Conflicting classifications of pathogenicity. Review status: criteria provided, conflicting classifications (1 of 4 stars). 5 submissions from 5 submitters: Uncertain significance (2); Likely benign (3). Last evaluated 2026-03-31.

Conditions:
Autosomal dominant childhood-onset proximal spinal muscular atrophy without contractures. Also called: Spinal muscular atrophy, lower extremity-predominant 1, AD; SPINAL MUSCULAR ATROPHY, CHILDHOOD, PROXIMAL, AUTOSOMAL DOMINANT; KUGELBERG-WELANDER SYNDROME, AUTOSOMAL DOMINANT; SPINAL MUSCULAR ATROPHY, JUVENILE, PROXIMAL, AUTOSOMAL DOMINANT. Identifiers: Orphanet 209341, Orphanet 363447, MedGen C5780022, MONDO:0008026, OMIM 158600.
Charcot-Marie-Tooth disease axonal type 2O. Also called: Charcot-Marie-Tooth disease, axonal, type 20; CHARCOT-MARIE-TOOTH NEUROPATHY, AXONAL, TYPE 2O; CHARCOT-MARIE-TOOTH DISEASE, AXONAL, AUTOSOMAL DOMINANT, TYPE 2O; Charcot-Marie-Tooth Neuropathy Type 2O. Identifiers: Orphanet 284232, MedGen C3280220, MONDO:0013644, OMIM 614228.
DYNC1H1-related disorder. Also called: DYNC1H1-related condition; DYNC1H1-related disorders. Identifiers: MedGen CN381529.
Inborn genetic diseases. Identifiers: MedGen C0950123, MeSH D030342.
Charcot-Marie-Tooth disease. Also called: Charcot-Marie-Tooth Neuropathy; Charcot-Marie-Tooth Hereditary Neuropathy. Identifiers: Orphanet 166, MedGen C0007959, MONDO:0015626.

Allele frequency attached by ClinVar (database versions not stated): gnomAD exomes 0.00002; ExAC 0.00003; gnomAD 0.00003 and 0.00004; TOPMed 0.00003.
gnomAD v4.1: 33 of 1,614,070 alleles (0.002%); highest among the groups gnomAD compares: Non-Finnish European, 0.0026%; no homozygotes.

Submissions (5):

PreventionGenetics, part of Exact Sciences
Classification: Likely benign for DYNC1H1-related condition. Last evaluated: 2026-03-31. Review status: criteria provided, single submitter. Criteria: ACMG Guidelines, 2015. Collection method: clinical testing. Allele origin: germline.
Comment: This variant is classified as likely benign based on ACMG/AMP sequence variant interpretation guidelines (Richards et al. 2015 PMID: 25741868, with internal and published modifications).

Labcorp Genetics (formerly Invitae), Labcorp
Classification: Uncertain significance for Charcot-Marie-Tooth disease axonal type 2O. Last evaluated: 2025-10-02. Review status: criteria provided, single submitter. Criteria: Invitae Variant Classification Sherloc (09022015). Collection method: clinical testing. Allele origin: germline.
Comment: This sequence change falls in intron 10 of the DYNC1H1 gene. It does not directly change the encoded amino acid sequence of the DYNC1H1 protein. It affects a nucleotide within the consensus splice site. This variant is present in population databases (rs750614475, gnomAD 0.003%). This variant has not been reported in the literature in individuals affected with DYNC1H1-related conditions. ClinVar contains an entry for this variant (Variation ID: 513201). Variants that disrupt the consensus splice site are a relatively common cause of aberrant splicing (PMID: 17576681, 9536098). Algorithms developed to predict the effect of sequence changes on RNA splicing suggest that this variant is not likely to affect RNA splicing. In summary, the available evidence is currently insufficient to determine the role of this variant in disease. Therefore, it has been classified as a Variant of Uncertain Significance.

Ambry Genetics
Classification: Uncertain significance for Inborn genetic diseases. Last evaluated: 2020-03-31. Review status: criteria provided, single submitter. Criteria: Ambry Variant Classification Scheme 2023. Collection method: clinical testing. Allele origin: germline.
Comment: The c.2869-3C>T intronic variant results from a C to T substitution 3 nucleotides upstream from coding exon 11 in the DYNC1H1 gene. This nucleotide position is well conserved in available vertebrate species. Using the BDGP and ESEfinder splice site prediction tools, this alteration is not predicted to have any significant effect on this splice acceptor site; however, direct evidence is unavailable. Since supporting evidence is limited at this time, the clinical significance of this alteration remains unclear.

GeneDx
Classification: Likely benign. Last evaluated: 2019-01-18. Review status: criteria provided, single submitter. Criteria: GeneDx Variant Classification Process June 2021. Collection method: clinical testing. Allele origin: germline. Affected: yes.

Molecular Genetics Laboratory, London Health Sciences Centre
Classification: Likely benign for Charcot-Marie-Tooth disease. Review status: criteria provided, single submitter. Criteria: ACMG Guidelines, 2015. Collection method: clinical testing. Allele origin: germline. Affected: yes.

Literature cited by the submitters: PubMed 17576681 (cited by Labcorp Genetics (formerly Invitae), Labcorp); PubMed 9536098 (cited by Labcorp Genetics (formerly Invitae), Labcorp).